The following is an entry in ClinVar:

NM_014141.6(CNTNAP2):c.122C>T (p.Ser41Phe)

Gene: CNTNAP2 (contactin associated protein 2; plus strand). Cytogenetic location: 7q35.
Variant type: single nucleotide variant.
Coding change: c.122C>T on transcript NM_014141.6 (MANE Select); coding-DNA position 122, C replaced by T.
Protein change: p.Ser41Phe; replaces serine 41 with phenylalanine.
Molecular consequence: missense variant.
Genome position (GRCh38, 1-based): chr7:146,774,295, C>T. VCF-style: chr7-146774295-C-T. GRCh37 (hg19) VCF-style: chr7-146471387-C-T.
Other names: short protein forms S41F.
Identifiers: ClinVar variation 1023564 (VCV001023564.9), dbSNP rs1563225193, ClinGen allele CA369922272.
Genomic context (GRCh38, chr7:146,774,295, plus strand): 5'-TGAGTGTCTCTCTCCCTCTCTGTCTTTTGTTTTCAGAAAAATGTGATGAGCCACTTGTCT[C>T]TGGACTCCCCCATGTGGCTTTCAGCAGCTCCTCCTCCATCTCTGGTAGCTATTCTCCCGG-3'
Protein context (NP_054860.1, residues 31-51): TSQKCDEPLV[Ser41Phe]GLPHVAFSSS

ClinVar aggregate classification (germline): Uncertain significance (1 of 4 stars; one submission).

Conditions:
Cortical dysplasia-focal epilepsy syndrome (PTHSL1). Also called: Pitt-Hopkins-like syndrome 1. Identifiers: Orphanet 163681, Orphanet 221150, MedGen C2750246, MONDO:0012400, OMIM 610042.

Allele frequency attached by ClinVar (database versions not stated): gnomAD 0.00001.
gnomAD v4.1: 1 of 1,613,796 alleles (0.000062%); highest among the groups gnomAD compares: African/African-American, 0.0013%; no homozygotes.

Submission:

Labcorp Genetics (formerly Invitae), Labcorp
Classification: Uncertain significance for Cortical dysplasia-focal epilepsy syndrome. Last evaluated: 2020-03-23. Review status: criteria provided, single submitter. Criteria: Invitae Variant Classification Sherloc (09022015). Collection method: clinical testing. Allele origin: germline.
Comment: In summary, the available evidence is currently insufficient to determine the role of this variant in disease. Therefore, it has been classified as a Variant of Uncertain Significance. Algorithms developed to predict the effect of missense changes on protein structure and function are either unavailable or do not agree on the potential impact of this missense change (SIFT: "Deleterious"; PolyPhen-2: "Benign"; Align-GVGD: "Class C0"). This variant has not been reported in the literature in individuals with CNTNAP2-related conditions. This variant is not present in population databases (ExAC no frequency). This sequence change replaces serine with phenylalanine at codon 41 of the CNTNAP2 protein (p.Ser41Phe). The serine residue is weakly conserved and there is a large physicochemical difference between serine and phenylalanine.